The following is an entry in ClinVar:

ClinVar aggregate classification (germline): Likely benign. Review status: criteria provided, single submitter (1 of 4 stars). 2 submissions from 2 submitters: Likely benign (1). 1 of the submissions does not count toward it. Last evaluated 2025-06-29.

Conditions:
ALG9-related disorder. Also called: ALG9-related condition.
ALG9 congenital disorder of glycosylation (CDG1L). Also called: CDG Il; ALG9-CDG; CONGENITAL DISORDER OF GLYCOSYLATION, TYPE Il. Identifiers: Orphanet 79328, MedGen C2931006, MONDO:0012117, OMIM 608776.

Allele frequency attached by ClinVar (database versions not stated): ESP Exome Variant Server 0.00008.
gnomAD v4.1: 34 of 1,614,084 alleles (0.0021%); highest among the groups gnomAD compares: African/African-American, 0.033%; no homozygotes.

Submissions (2):

Labcorp Genetics (formerly Invitae), Labcorp
Classification: Likely benign for ALG9 congenital disorder of glycosylation. Last evaluated: 2025-06-29. Review status: criteria provided, single submitter. Criteria: Invitae Variant Classification Sherloc (09022015). Collection method: clinical testing. Allele origin: germline.

PreventionGenetics, part of Exact Sciences
Classification: Likely benign for ALG9-related condition. Last evaluated: 2019-12-26. Review status: no assertion criteria provided. Collection method: clinical testing. Allele origin: germline. Not counted in ClinVar's aggregate classification.
Comment: This variant is classified as likely benign based on ACMG/AMP sequence variant interpretation guidelines (Richards et al. 2015 PMID: 25741868, with internal and published modifications).

NM_024740.2(ALG9):c.1320C>T (p.Phe440=)

Gene: ALG9 (ALG9 alpha-1,2-mannosyltransferase; minus strand). Cytogenetic location: 11q23.1.
Variant type: single nucleotide variant.
Coding change: c.1320C>T on transcript NM_024740.2 (MANE Select); coding-DNA position 1320, C replaced by T.
Protein change: p.Phe440=; no amino-acid change (phenylalanine 440 retained).
Molecular consequence: synonymous variant. On other transcripts: non-coding transcript variant (1).
Genome position (GRCh38, 1-based): chr11:111,838,253, G>A on the plus strand (C>T on the coding strand, the complement: ALG9 is on the minus strand). VCF-style: chr11-111838253-G-A. GRCh37 (hg19) VCF-style: chr11-111708976-G-A.
Other names: c.1299C>T, p.Phe433= (NM_001077690.1, NM_001352417.1); c.807C>T, p.Phe269= (NM_001077691.2, NM_001352413.1, NM_001352414.2 and 1 more transcripts); c.786C>T, p.Phe262= (NM_001077692.2, NM_001352409.1, NM_001352410.1 and 6 more transcripts); c.1176C>T, p.Phe392= (NM_001352418.1); c.711C>T, p.Phe237= (NM_001352422.2); c.663C>T, p.Phe221= (NM_001352423.2).
Identifiers: ClinVar variation 2149221 (VCV002149221.6), dbSNP rs370751928, ClinGen allele CA228540012.